The following is an entry in ClinVar:

NM_033026.6(PCLO):c.6258del (p.Ile2087fs)

Gene: PCLO (piccolo presynaptic cytomatrix protein; minus strand). Cytogenetic location: 7q21.11.
Variant type: Deletion.
Coding change: c.6258del on transcript NM_033026.6 (MANE Select); coding-DNA position 6258, one base deleted (C; older notation c.6258delC).
Protein change: p.Ile2087fs; shifts the reading frame from isoleucine 2087.
Molecular consequence: frameshift variant.
Genome position (GRCh38, 1-based): chr7:82,954,695, G deleted on the plus strand (C on the coding strand, the reverse complement: PCLO is on the minus strand); the first of 5 consecutive G bases (chr7:82,954,695-82,954,699); deleting any one gives the same sequence. VCF-style (leftmost placement, unchanged base first): chr7-82954694-TG-T. GRCh37 (hg19) VCF-style: chr7-82584010-TG-T.
Other names: c.6258del, p.Ile2087fs (NM_014510.3); short protein forms I2087fs.
Identifiers: ClinVar variation 2067218 (VCV002067218.4), dbSNP rs2535703298, ClinGen allele CA2580077425.

ClinVar aggregate classification (germline): Pathogenic (1 of 4 stars; one submission).

Submission:

Labcorp Genetics (formerly Invitae), Labcorp
Classification: Pathogenic. Last evaluated: 2022-03-22. Review status: criteria provided, single submitter. Criteria: Invitae Variant Classification Sherloc (09022015). Collection method: clinical testing. Allele origin: germline.
Comment: For these reasons, this variant has been classified as Pathogenic. This variant has not been reported in the literature in individuals affected with PCLO-related conditions. This variant is not present in population databases (gnomAD no frequency). This sequence change creates a premature translational stop signal (p.Ile2087Leufs*5) in the PCLO gene. It is expected to result in an absent or disrupted protein product. Loss-of-function variants in PCLO are known to be pathogenic (PMID: 25832664, 30287594).

Literature cited by the submitters: PubMed 25832664; PubMed 30287594.